The following is an entry in ClinVar:

ClinVar aggregate classification (germline): Uncertain significance (1 of 4 stars; one submission).

Conditions:
Combined oxidative phosphorylation defect type 27. Also called: Combined oxidative phosphorylation deficiency 27. Identifiers: Orphanet 477774, MedGen C5567608, MONDO:0014728, OMIM 616672.

Allele frequency attached by ClinVar (database versions not stated): gnomAD exomes below 0.00001 and 0.00002; ExAC 0.00002; TOPMed 0.00002.
gnomAD v4.1: 5 of 1,603,480 alleles (0.00031%); highest among the groups gnomAD compares: East Asian, 0.0045%; no homozygotes.

Submission:

Labcorp Genetics (formerly Invitae), Labcorp
Classification: Uncertain significance for Combined oxidative phosphorylation defect type 27. Last evaluated: 2022-11-15. Review status: criteria provided, single submitter. Criteria: Invitae Variant Classification Sherloc (09022015). Collection method: clinical testing. Allele origin: germline.
Comment: This sequence change replaces leucine, which is neutral and non-polar, with histidine, which is basic and polar, at codon 157 of the CARS2 protein (p.Leu157His). ClinVar contains an entry for this variant (Variation ID: 858728). This variant has not been reported in the literature in individuals affected with CARS2-related conditions. This variant is present in population databases (rs769254654, gnomAD 0.02%). In summary, the available evidence is currently insufficient to determine the role of this variant in disease. Therefore, it has been classified as a Variant of Uncertain Significance. Advanced modeling of protein sequence and biophysical properties (such as structural, functional, and spatial information, amino acid conservation, physicochemical variation, residue mobility, and thermodynamic stability) performed at Invitae indicates that this missense variant is not expected to disrupt CARS2 protein function.

NM_024537.4(CARS2):c.470T>A (p.Leu157His)

Gene: CARS2 (cysteinyl-tRNA synthetase 2, mitochondrial; minus strand). Cytogenetic location: 13q34.
Variant type: single nucleotide variant.
Coding change: c.470T>A on transcript NM_024537.4 (MANE Select); coding-DNA position 470, T replaced by A.
Protein change: p.Leu157His; replaces leucine 157 with histidine.
Molecular consequence: missense variant. On other transcripts: 5 prime UTR variant (1), non-coding transcript variant (2).
Genome position (GRCh38, 1-based): chr13:110,687,822, A>T on the plus strand (T>A on the coding strand, the complement: CARS2 is on the minus strand). VCF-style: chr13-110687822-A-T. GRCh37 (hg19) VCF-style: chr13-111340169-A-T.
Other names: c.-530T>A (NM_001352252.2); c.470T>A, p.Leu157His (NM_001352253.3); short protein forms L157H.
Identifiers: ClinVar variation 858728 (VCV000858728.9), dbSNP rs769254654, ClinGen allele CA7052228.